The following is an entry in ClinVar:

ClinVar aggregate classification (germline): Benign (1 of 4 stars; one submission).

Conditions:
Primary hypomagnesemia (HOMG3). Also called: HYPOMAGNESEMIA 3, RENAL; HYPOMAGNESEMIA, FAMILIAL, WITH HYPERCALCIURIA AND NEPHROCALCINOSIS; HYPOMAGNESEMIA, ISOLATED RENAL; HYPOMAGNESEMIA, PRIMARY, DUE TO DEFECT IN RENAL TUBULAR TRANSPORT OF MAGNESIUM. Identifiers: Orphanet 31043, MedGen C0268448, MONDO:0009550, OMIM 248250.

Allele frequency attached by ClinVar (database versions not stated): 1000 Genomes Project 0.00419; 1000 Genomes Project 30x 0.00484; gnomAD 0.01111 and 0.01276; TOPMed 0.01124.

Submission:

Illumina Laboratory Services, Illumina
Classification: Benign for Primary hypomagnesemia. Last evaluated: 2018-01-13. Review status: criteria provided, single submitter. Criteria: ICSL Variant Classification Criteria 13 December 2019. Collection method: clinical testing. Allele origin: germline.
Comment: This variant was observed in the ICSL laboratory as part of a predisposition screen in an ostensibly healthy population. It had not been previously curated by ICSL or reported in the Human Gene Mutation Database (HGMD: prior to June 1st, 2018), and was therefore a candidate for classification through an automated scoring system. Utilizing variant allele frequency, disease prevalence and penetrance estimates, and inheritance mode, an automated score was calculated to assess if this variant is too frequent to cause the disease. Based on the score and internal cut-off values, a variant classified as benign is not then subjected to further curation. The score for this variant resulted in a classification of benign for this disease.

NM_006580.4(CLDN16):c.*1453G>C

Gene: CLDN16 (claudin 16; plus strand). Cytogenetic location: 3q28.
Variant type: single nucleotide variant.
Coding change: c.*1453G>C on transcript NM_006580.4 (MANE Select); 1453 bases downstream of the stop codon, G replaced by C.
Molecular consequence: 3 prime UTR variant.
Genome position (GRCh38, 1-based): chr3:190,411,489, G>C. VCF-style: chr3-190411489-G-C. GRCh37 (hg19) VCF-style: chr3-190129278-G-C.
Other names: c.*1453G>C (NM_001378492.1, NM_001378493.1).
Identifiers: ClinVar variation 344470 (VCV000344470.5), dbSNP rs13076274, ClinGen allele CA10618272.